The following is an entry in ClinVar:

ClinVar aggregate classification (germline): Benign. Review status: criteria provided, multiple submitters, no conflicts (2 of 4 stars). 4 submissions from 4 submitters: Benign (3). 1 of the submissions does not count toward it. Last evaluated 2025-12-17.

Allele frequency attached by ClinVar (database versions not stated): gnomAD exomes 0.00091 and 0.00243; ExAC 0.00308; gnomAD 0.01011 and 0.01093; 1000 Genomes Project 0.01058; TOPMed 0.01137; 1000 Genomes Project 30x 0.01156; ESP Exome Variant Server 0.01292.
gnomAD v4.1: 2,915 of 1,614,092 alleles (0.18%); highest among the groups gnomAD compares: African/African-American, 3.5%; 48 homozygotes.

Submissions (4):

Labcorp Genetics (formerly Invitae), Labcorp
Classification: Benign. Last evaluated: 2025-12-17. Review status: criteria provided, single submitter. Criteria: Invitae Variant Classification Sherloc (09022015). Collection method: clinical testing. Allele origin: germline.

GeneDx
Classification: Benign. Last evaluated: 2013-06-10. Review status: criteria provided, single submitter. Criteria: GeneDx Variant Classification (06012015). Collection method: clinical testing. Allele origin: germline. Affected: yes.
Comment: This variant is considered likely benign or benign based on one or more of the following criteria: it is a conservative change, it occurs at a poorly conserved position in the protein, it is predicted to be benign by multiple in silico algorithms, and/or has population frequency not consistent with disease.

Breakthrough Genomics
Classification: Benign. Review status: criteria provided, single submitter. Criteria: ACMG Guidelines, 2015. Collection method: not provided. Allele origin: germline. Inheritance: Autosomal recessive inheritance. Affected: yes.

Mayo Clinic Laboratories, Mayo Clinic
Classification: Likely benign. Last evaluated: 2016-03-16. Review status: no assertion criteria provided. Collection method: clinical testing. Allele origin: unknown. Not counted in ClinVar's aggregate classification.

NM_006294.5(UQCRB):c.195G>A (p.Arg65=)

Gene: UQCRB (ubiquinol-cytochrome c reductase binding protein; minus strand). Cytogenetic location: 8q22.1.
Variant type: single nucleotide variant.
Coding change: c.195G>A on transcript NM_006294.5 (MANE Select); coding-DNA position 195, G replaced by A.
Protein change: p.Arg65=; no amino-acid change (arginine 65 retained).
Molecular consequence: synonymous variant. On other transcripts: non-coding transcript variant (1).
Genome position (GRCh38, 1-based): chr8:96,231,837, C>T on the plus strand (G>A on the coding strand, the complement: UQCRB is on the minus strand). VCF-style: chr8-96231837-C-T. GRCh37 (hg19) VCF-style: chr8-97244065-C-T.
Other names: p.R65R:AGG>AGA; c.99G>A, p.Arg33= (NM_001199975.3); c.195G>A, p.Arg65= (NM_001254752.2).
Identifiers: ClinVar variation 137889 (VCV000137889.15), dbSNP rs11558865, ClinGen allele CA291617.